The following is an entry in ClinVar:

NC_000011.9:g.(?_34938164)_(34953032_34969052)dup

Gene: PDHX (pyruvate dehydrogenase complex component X; plus strand). Cytogenetic location: 11p13.
Variant type: Duplication.
Identifiers: ClinVar variation 3896543 (VCV003896543.2).

ClinVar aggregate classification (germline): Uncertain significance (1 of 4 stars; one submission).

Submission:

Women's Health and Genetics/Laboratory Corporation of America, LabCorp
Classification: Uncertain significance. Last evaluated: 2025-04-02. Review status: criteria provided, single submitter. Criteria: LabCorp Variant Classification Summary - May 2015. Collection method: clinical testing. Allele origin: germline.
Comment: Variant summary: The variant involves the duplication of exons 1-2 in the PDHX gene. A presumed nomenclature of c.(?_-39)_(241+1_242-1)dup has been designated for the purposes of this classification. The exact breakpoint at the 5' end of this variant is unknown, therefore this duplication may extend upstream of the annotated region of this gene. It is predicted to duplicate a segment including the initiation codon, therefore its impact on the encoded protein is unknown. The variant was absent in 21694 control chromosomes. The available data on variant occurrences in the general population are insufficient to allow any conclusion about variant significance. To our knowledge, no occurrence of c.(?_-39)_(241+1_242-1)dup in individuals affected with Pyruvate Dehydrogenase E3-Binding Protein Deficiency and no experimental evidence demonstrating its impact on protein function have been reported. No submitters have cited clinical-significance assessments for this variant to ClinVar. Based on the evidence outlined above, the variant was classified as uncertain significance.